The following is an entry in ClinVar:

NM_006231.4(POLE):c.5570A>T (p.Lys1857Met)

Gene: POLE (DNA polymerase epsilon, catalytic subunit; minus strand). Cytogenetic location: 12q24.33.
Variant type: single nucleotide variant.
Coding change: c.5570A>T on transcript NM_006231.4 (MANE Select); coding-DNA position 5570, A replaced by T.
Protein change: p.Lys1857Met; replaces lysine 1857 with methionine.
Molecular consequence: missense variant.
Genome position (GRCh38, 1-based): chr12:132,638,122, T>A on the plus strand (A>T on the coding strand, the complement: POLE is on the minus strand). VCF-style: chr12-132638122-T-A. GRCh37 (hg19) VCF-style: chr12-133214708-T-A.
Other names: c.5570A>T (NM_006231.2); short protein forms K1857M.
Identifiers: ClinVar variation 473744 (VCV000473744.11), dbSNP rs5744971, ClinGen allele CA6892469.

ClinVar aggregate classification (germline): Uncertain significance. Review status: criteria provided, multiple submitters, no conflicts (2 of 4 stars). 2 submissions from 2 submitters: Uncertain significance (2). Last evaluated 2026-01-25.

Conditions:
Hereditary cancer-predisposing syndrome. Also called: Neoplastic Syndromes, Hereditary; Tumor predisposition; Hereditary Cancer Syndrome; Hereditary neoplastic syndrome. Identifiers: Orphanet 140162, MedGen C0027672, MeSH D009386, MONDO:0015356.

Allele frequency attached by ClinVar (database versions not stated): TOPMed 0.00001.

Submissions (2):

Labcorp Genetics (formerly Invitae), Labcorp
Classification: Uncertain significance. Last evaluated: 2026-01-25. Review status: criteria provided, single submitter. Criteria: Invitae Variant Classification Sherloc (09022015). Collection method: clinical testing. Allele origin: germline.
Comment: This sequence change replaces lysine, which is basic and polar, with methionine, which is neutral and non-polar, at codon 1857 of the POLE protein (p.Lys1857Met). This variant is present in population databases (rs5744971, gnomAD 0.002%). This variant has not been reported in the literature in individuals affected with POLE-related conditions. ClinVar contains an entry for this variant (Variation ID: 473744). Invitae Evidence Modeling of protein sequence and biophysical properties (such as structural, functional, and spatial information, amino acid conservation, physicochemical variation, residue mobility, and thermodynamic stability) indicates that this missense variant is not expected to disrupt POLE protein function with a negative predictive value of 80%. In summary, the available evidence is currently insufficient to determine the role of this variant in disease. Therefore, it has been classified as a Variant of Uncertain Significance.

Ambry Genetics
Classification: Uncertain significance for Hereditary cancer-predisposing syndrome. Last evaluated: 2024-12-17. Review status: criteria provided, single submitter. Criteria: Ambry Variant Classification Scheme 2023. Collection method: clinical testing. Allele origin: germline.
Comment: The p.K1857M variant (also known as c.5570A>T), located in coding exon 41 of the POLE gene, results from an A to T substitution at nucleotide position 5570. The lysine at codon 1857 is replaced by methionine, an amino acid with similar properties. This amino acid position is highly conserved in available vertebrate species. In addition, the in silico prediction for this alteration is inconclusive. Based on the available evidence, the clinical significance of this variant remains unclear.